The following is an entry in ClinVar:

NM_001378778.1(MPDZ):c.2908G>A (p.Val970Met)

Gene: MPDZ (multiple PDZ domain crumbs cell polarity complex component; minus strand). Cytogenetic location: 9p23.
Variant type: single nucleotide variant.
Coding change: c.2908G>A on transcript NM_001378778.1 (MANE Select); coding-DNA position 2908, G replaced by A.
Protein change: p.Val970Met; replaces valine 970 with methionine.
Molecular consequence: missense variant.
Genome position (GRCh38, 1-based): chr9:13,176,159, C>T on the plus strand (G>A on the coding strand, the complement: MPDZ is on the minus strand). VCF-style: chr9-13176159-C-T. GRCh37 (hg19) VCF-style: chr9-13176158-C-T.
Other names: c.2908G>A, p.Val970Met (NM_001261406.2, NM_001261407.2, NM_001330637.2 and 14 more transcripts); short protein forms V970M.
Identifiers: ClinVar variation 1369333 (VCV001369333.4), dbSNP rs1044739001, ClinGen allele CA189270954.

ClinVar aggregate classification (germline): Uncertain significance (1 of 4 stars; one submission).

Allele frequency attached by ClinVar (database versions not stated): gnomAD 0.00004 and 0.00005.
gnomAD v4.1: 20 of 1,600,874 alleles (0.0012%); highest among the groups gnomAD compares: African/African-American, 0.019%; no homozygotes.

Submission:

Labcorp Genetics (formerly Invitae), Labcorp
Classification: Uncertain significance. Last evaluated: 2022-08-22. Review status: criteria provided, single submitter. Criteria: Invitae Variant Classification Sherloc (09022015). Collection method: clinical testing. Allele origin: germline.
Comment: This sequence change replaces valine, which is neutral and non-polar, with methionine, which is neutral and non-polar, at codon 970 of the MPDZ protein (p.Val970Met). This variant is present in population databases (no rsID available, gnomAD 0.03%). This variant has not been reported in the literature in individuals affected with MPDZ-related conditions. ClinVar contains an entry for this variant (Variation ID: 1369333). Algorithms developed to predict the effect of missense changes on protein structure and function output the following: SIFT: "Tolerated"; PolyPhen-2: "Benign"; Align-GVGD: "Class C0". The methionine amino acid residue is found in multiple mammalian species, which suggests that this missense change does not adversely affect protein function. In summary, the available evidence is currently insufficient to determine the role of this variant in disease. Therefore, it has been classified as a Variant of Uncertain Significance.